The following is an entry in ClinVar:

NM_001374828.1(ARID1B):c.510C>A (p.His170Gln)

Genes: ARID1B (AT-rich interaction domain 1B; plus strand), LOC115308161 (uncharacterized LOC115308161; minus strand). Cytogenetic location: 6q25.3.
Variant type: single nucleotide variant.
Coding change: c.510C>A on transcript NM_001374828.1 (MANE Select); coding-DNA position 510, C replaced by A.
Protein change: p.His170Gln; replaces histidine 170 with glutamine.
Molecular consequence: missense variant.
Genome position (GRCh38, 1-based): chr6:156,778,190, C>A. VCF-style: chr6-156778190-C-A. GRCh37 (hg19) VCF-style: chr6-157099324-C-A.
Other names: c.510C>A, p.His170Gln (NM_001371656.1, NM_001374820.1, NM_001438482.1 and 9 more transcripts); c.261C>A (NM_020732.3); short protein forms H170Q.
Identifiers: ClinVar variation 4994068 (VCV004994068.1).
Genomic context (GRCh38, chr6:156,778,190, plus strand): 5'-CAAACTGAAAACCGTTGGCGAAGCCCCCGCCGCGCCGCCCCACCAGCAGCACCACCACCA[C>A]CACCATGCCCACCACCACCACCACCATGCCCACCACCTCCACCACCACCACGCACTACAG-3'
Protein context (NP_001361757.1, residues 160-180): AAPPHQQHHH[His170Gln]HHAHHHHHHA

ClinVar aggregate classification (germline): Uncertain significance (1 of 4 stars; one submission).

Conditions:
ARID1B-Related Disorder. Identifiers: MedGen CN381337.

Submission:

PreventionGenetics, part of Exact Sciences
Classification: Uncertain significance for ARID1B-related condition. Last evaluated: 2026-08-20. Review status: criteria provided, single submitter. Criteria: ACMG Guidelines, 2015. Collection method: clinical testing. Allele origin: germline.
Comment: The ARID1B c.261C>A variant is predicted to result in the amino acid substitution p.His87Gln. To our knowledge, this variant has not been reported in the literature or in a large population database (gnomAD), indicating this variant is rare. At this time, the clinical significance of this variant is uncertain due to the absence of conclusive functional and genetic evidence.